The following is an entry in ClinVar:

NM_001127453.2(GSDME):c.38T>C (p.Val13Ala)

Gene: GSDME (gasdermin E; minus strand). Cytogenetic location: 7p15.3.
Variant type: single nucleotide variant.
Coding change: c.38T>C on transcript NM_001127453.2 (MANE Select); coding-DNA position 38, T replaced by C.
Protein change: p.Val13Ala; replaces valine 13 with alanine.
Molecular consequence: missense variant. On other transcripts: intron variant (1).
Genome position (GRCh38, 1-based): chr7:24,749,737, A>G on the plus strand (T>C on the coding strand, the complement: GSDME is on the minus strand). VCF-style: chr7-24749737-A-G. GRCh37 (hg19) VCF-style: chr7-24789356-A-G.
Other names: c.38T>C, p.Val13Ala (NM_004403.3); c.-281-4983T>C (NM_001127454.2); short protein forms V13A.
Identifiers: ClinVar variation 3619600 (VCV003619600.2).

ClinVar aggregate classification (germline): Uncertain significance (1 of 4 stars; one submission).

gnomAD v4.1: 1 of 1,614,172 alleles (0.000062%); highest among the groups gnomAD compares: Non-Finnish European, 0.000085%; no homozygotes.

Submission:

Labcorp Genetics (formerly Invitae), Labcorp
Classification: Uncertain significance. Last evaluated: 2024-08-15. Review status: criteria provided, single submitter. Criteria: Invitae Variant Classification Sherloc (09022015). Collection method: clinical testing. Allele origin: germline.
Comment: This sequence change replaces valine, which is neutral and non-polar, with alanine, which is neutral and non-polar, at codon 13 of the DFNA5 protein (p.Val13Ala). This variant is present in population databases (rs147046234, gnomAD 0.0009%). This variant has not been reported in the literature in individuals affected with DFNA5-related conditions. Invitae Evidence Modeling of protein sequence and biophysical properties (such as structural, functional, and spatial information, amino acid conservation, physicochemical variation, residue mobility, and thermodynamic stability) indicates that this missense variant is expected to disrupt DFNA5 protein function with a positive predictive value of 80%. In summary, the available evidence is currently insufficient to determine the role of this variant in disease. Therefore, it has been classified as a Variant of Uncertain Significance.